The following is an entry in ClinVar:

NM_014244.5(ADAMTS2):c.2633A>G (p.Lys878Arg)

Gene: ADAMTS2 (ADAM metallopeptidase with thrombospondin type 1 motif 2; minus strand). Cytogenetic location: 5q35.3.
Variant type: single nucleotide variant.
Coding change: c.2633A>G on transcript NM_014244.5 (MANE Select); coding-DNA position 2633, A replaced by G.
Protein change: p.Lys878Arg; replaces lysine 878 with arginine.
Molecular consequence: missense variant.
Genome position (GRCh38, 1-based): chr5:179,126,115, T>C on the plus strand (A>G on the coding strand, the complement: ADAMTS2 is on the minus strand). VCF-style: chr5-179126115-T-C. GRCh37 (hg19) VCF-style: chr5-178553116-T-C.
Other names: c.2633A>G (NM_014244.4); short protein forms K878R.
Identifiers: ClinVar variation 989942 (VCV000989942.5), dbSNP rs374211371, ClinGen allele CA3595479.
Genomic context (GRCh38, chr5:179,126,115, plus strand): 5'-AGGGCGGCACAGAAGCCACGGTGTACCATCTTGTGGTCCAGCCTCCGGCGGCAGCCATAC[T>C]TGGTGAACTGGGACCCTGAAGGCAGAGAGCTCGACGGGGGTCGGTGGGGCAGCATGCCCT-3'
Protein context (NP_055059.2, residues 868-888): KPCGGGSQFT[Lys878Arg]YGCRRRLDHK

ClinVar aggregate classification (germline): Uncertain significance. Review status: criteria provided, single submitter (1 of 4 stars). 3 submissions from 3 submitters: Uncertain significance (1). 2 of the submissions do not count toward it. Last evaluated 2021-06-16.

Conditions:
ADAMTS2-related disorder. Also called: ADAMTS2-related condition.
Ehlers-Danlos syndrome, dermatosparaxis type. Also called: Dermatosparaxis; Ehlers-Danlos syndrome, type VII, autosomal recessive; EDS VIIC. Identifiers: Orphanet 1901, MedGen C2700425, MONDO:0009161, OMIM 225410.

Allele frequency attached by ClinVar (database versions not stated): ExAC 0.00001; gnomAD exomes 0.00001; TOPMed 0.00005; gnomAD 0.00007 and 0.00008; ESP Exome Variant Server 0.00015.
gnomAD v4.1: 22 of 1,613,164 alleles (0.0014%); highest among the groups gnomAD compares: African/African-American, 0.017%; no homozygotes.

Submissions (3):

GeneDx
Classification: Uncertain significance. Last evaluated: 2021-06-16. Review status: criteria provided, single submitter. Criteria: GeneDx Variant Classification Process June 2021. Collection method: clinical testing. Allele origin: germline. Affected: yes.
Comment: Has not been previously published as pathogenic or benign to our knowledge; Not observed at significant frequency in large population cohorts (Lek et al., 2016); In silico analysis supports that this missense variant does not alter protein structure/function; In silico analysis, which includes splice predictors and evolutionary conservation, suggests this variant may impact gene splicing. In the absence of RNA/functional studies, the actual effect of this sequence change is unknown.; This variant is associated with the following publications: (PMID: 26582918, 27535533)

PreventionGenetics, part of Exact Sciences
Classification: Uncertain significance for ADAMTS2-related condition. Last evaluated: 2024-01-30. Review status: no assertion criteria provided. Collection method: clinical testing. Allele origin: germline. Not counted in ClinVar's aggregate classification.
Comment: The ADAMTS2 c.2633A>G variant is predicted to result in the amino acid substitution p.Lys878Arg. To our knowledge, this variant has not been reported in the literature. This variant is reported in 0.012% of alleles in individuals of African descent in gnomAD. At this time, the clinical significance of this variant is uncertain due to the absence of conclusive functional and genetic evidence.

Natera, Inc.
Classification: Uncertain significance for Ehlers-Danlos syndrome type VIIC. Last evaluated: 2020-08-14. Review status: no assertion criteria provided. Collection method: clinical testing. Allele origin: germline. Not counted in ClinVar's aggregate classification.